The following is an entry in ClinVar:

NM_006231.4(POLE):c.3582+16_3582+17delinsGG

Gene: POLE (DNA polymerase epsilon, catalytic subunit; minus strand). Cytogenetic location: 12q24.33.
Variant type: Indel.
Coding change: c.3582+16_3582+17delinsGG on transcript NM_006231.4 (MANE Select); bases 16 to 17 of the intron after coding-DNA position 3582, CA replaced by GG.
Molecular consequence: intron variant.
Genome position (GRCh38, 1-based): chr12:132,657,119-132,657,120, TG replaced by CC on the plus strand (CA replaced by GG on the coding strand, the reverse complement: POLE is on the minus strand). VCF-style: chr12-132657119-TG-CC. GRCh37 (hg19) VCF-style: chr12-133233705-TG-CC.
Identifiers: ClinVar variation 2912848 (VCV002912848.3), dbSNP rs1064794717, ClinGen allele CA2739277429.
Genomic context (GRCh38, chr12:132,657,119, plus strand): 5'-CACAGCAGCGCAAGAAGCCTGGAGTCCTGTGTGTCACAAGGATCCCGCCCAGCCCAGCCT[TG>CC]GGGCCCCACCGTCACCTGTCTCCTGCCCTCCAGGGTGAAGAGCTCACTGATCTTCTTCTG-3'

ClinVar aggregate classification (germline): Uncertain significance (1 of 4 stars; one submission).

Submission:

Labcorp Genetics (formerly Invitae), Labcorp
Classification: Uncertain significance. Last evaluated: 2025-04-07. Review status: criteria provided, single submitter. Criteria: Invitae Variant Classification Sherloc (09022015). Collection method: clinical testing. Allele origin: germline.
Comment: This sequence change falls in intron 29 of the POLE gene. It does not directly change the encoded amino acid sequence of the POLE protein. Information on the frequency of this variant in the gnomAD database is not available, as this variant may be reported differently in the database. This variant has not been reported in the literature in individuals affected with POLE-related conditions. ClinVar contains an entry for this variant (Variation ID: 2912848). Experimental studies and prediction algorithms are not available or were not evaluated, and the effect of this variant on mRNA splicing is currently unknown. In summary, the available evidence is currently insufficient to determine the role of this variant in disease. Therefore, it has been classified as a Variant of Uncertain Significance.